The following is an entry in ClinVar:

ClinVar aggregate classification (germline): Uncertain significance (1 of 4 stars; one submission).

gnomAD v4.1: 3 of 1,613,944 alleles (0.00019%); highest among the groups gnomAD compares: Non-Finnish European, 0.00017%; no homozygotes.

Submission:

Labcorp Genetics (formerly Invitae), Labcorp
Classification: Uncertain significance. Last evaluated: 2025-11-17. Review status: criteria provided, single submitter. Criteria: Invitae Variant Classification Sherloc (09022015). Collection method: clinical testing. Allele origin: germline.
Comment: This sequence change replaces serine, which is neutral and polar, with arginine, which is basic and polar, at codon 164 of the PRPF3 protein (p.Ser164Arg). This variant is present in population databases (rs781850532, gnomAD 0.0009%). This variant has not been reported in the literature in individuals affected with PRPF3-related conditions. Invitae Evidence Modeling of protein sequence and biophysical properties (such as structural, functional, and spatial information, amino acid conservation, physicochemical variation, residue mobility, and thermodynamic stability) indicates that this missense variant is not expected to disrupt PRPF3 protein function with a negative predictive value of 95%. In summary, the available evidence is currently insufficient to determine the role of this variant in disease. Therefore, it has been classified as a Variant of Uncertain Significance.

NM_004698.4(PRPF3):c.492C>G (p.Ser164Arg)

Gene: PRPF3 (pre-mRNA processing factor 3; plus strand). Cytogenetic location: 1q21.2.
Variant type: single nucleotide variant.
Coding change: c.492C>G on transcript NM_004698.4 (MANE Select); coding-DNA position 492, C replaced by G.
Protein change: p.Ser164Arg; replaces serine 164 with arginine.
Molecular consequence: missense variant. On other transcripts: non-coding transcript variant (4).
Genome position (GRCh38, 1-based): chr1:150,332,752, C>G. VCF-style: chr1-150332752-C-G. GRCh37 (hg19) VCF-style: chr1-150305223-C-G.
Other names: c.87C>G, p.Ser29Arg (NM_001350529.1); short protein forms S164R, S29R.
Identifiers: ClinVar variation 4778082 (VCV004778082.1).